The following is an entry in ClinVar:

ClinVar aggregate classification (germline): Conflicting classifications of pathogenicity. Review status: criteria provided, conflicting classifications (1 of 4 stars). 14 submissions from 14 submitters: Uncertain significance (1); Benign (7); Likely benign (6). Last evaluated 2026-02-03.

Conditions:
Hereditary cancer-predisposing syndrome. Also called: Tumor predisposition; Hereditary neoplastic syndrome; Hereditary Cancer Syndrome; Neoplastic Syndromes, Hereditary. Identifiers: Orphanet 140162, MedGen C0027672, MeSH D009386, MONDO:0015356.
Tuberous sclerosis syndrome (TSC). Also called: Tuberous Sclerosis Complex; Tuberous sclerosis. Identifiers: Orphanet 805, MedGen C0041341, MONDO:0001734.
Tuberous sclerosis 1 (TSC1). Identifiers: Orphanet 805, MedGen C1854465, MONDO:0008612, OMIM 191100.

Allele frequency attached by ClinVar (database versions not stated): gnomAD exomes 0.00010 and 0.00030; TOPMed 0.00013; ExAC 0.00014; ESP Exome Variant Server 0.00015; gnomAD 0.00016.
gnomAD v4.1: 450 of 1,613,842 alleles (0.028%); highest among the groups gnomAD compares: Non-Finnish European, 0.037%; no homozygotes.

Submissions (14):

Labcorp Genetics (formerly Invitae), Labcorp
Classification: Benign for Tuberous sclerosis 1. Last evaluated: 2026-02-03. Review status: criteria provided, single submitter. Criteria: Invitae Variant Classification Sherloc (09022015). Collection method: clinical testing. Allele origin: germline.

CeGaT Center for Human Genetics Tuebingen
Classification: Likely benign. Last evaluated: 2025-08-01. Review status: criteria provided, single submitter. Criteria: CeGaT Center For Human Genetics Tuebingen Variant Classification Criteria Version 2. Collection method: clinical testing. Allele origin: germline. Affected: yes. Observed: 2 variant alleles.
Comment: TSC1: BP4, BP7

ARUP Laboratories, Molecular Genetics and Genomics, ARUP Laboratories
Classification: Likely benign. Last evaluated: 2025-05-06. Review status: criteria provided, single submitter. Criteria: ARUP Molecular Germline Variant Investigation Process 2024. Collection method: clinical testing. Allele origin: germline.

Myriad Genetics, Inc.
Classification: Benign for Tuberous sclerosis 1. Last evaluated: 2025-04-07. Review status: criteria provided, single submitter. Criteria: Myriad Autosomal Dominant, Autosomal Recessive and X-Linked Classification Criteria (2023). Collection method: clinical testing. Allele origin: unknown.
Comment: This variant is considered benign. This variant is a silent/synonymous amino acid change and it is not expected to impact splicing.

Blueprint Genetics
Classification: Likely benign. Last evaluated: 2024-11-18. Review status: criteria provided, single submitter. Criteria: ACMG Guidelines, 2015. Collection method: clinical testing. Allele origin: germline.

All of Us Research Program, National Institutes of Health
Classification: Benign for Tuberous sclerosis syndrome. Last evaluated: 2023-12-15. Review status: criteria provided, single submitter. Criteria: ACMG Guidelines, 2015. Collection method: clinical testing. Allele origin: germline. Inheritance: Autosomal dominant inheritance. Observed: 36 variant alleles, 36 heterozygotes.
Comment: This study involves interpretation of variants in research participants for the purpose of population health screening. Participant phenotype was not available at the time of variant classification. Additional details can be found in publication PMID: 35346344, PMCID: PMC8962531

Color Diagnostics, LLC DBA Color Health
Classification: Benign for Tuberous sclerosis syndrome. Last evaluated: 2022-05-16. Review status: criteria provided, single submitter. Criteria: ACMG Guidelines, 2015. Collection method: clinical testing. Allele origin: germline.

Genome-Nilou Lab
Classification: Benign for Tuberous sclerosis 1. Last evaluated: 2021-11-07. Review status: criteria provided, single submitter. Criteria: ACMG Guidelines, 2015. Collection method: clinical testing. Allele origin: germline. Affected: no.

Sema4
Classification: Benign for Hereditary cancer-predisposing syndrome. Last evaluated: 2021-09-25. Review status: criteria provided, single submitter. Criteria: Sema4 Curation Guidelines. Collection method: curation. Allele origin: germline.

Eurofins Ntd Llc (ga)
Classification: Uncertain significance. Last evaluated: 2018-03-07. Review status: criteria provided, single submitter. Criteria: EGL ClinVar v180209 classification definitions. Collection method: clinical testing. Allele origin: germline. Observed: 1 variant allele, 1 heterozygote.

Ambry Genetics
Classification: Likely benign for Hereditary cancer-predisposing syndrome. Last evaluated: 2015-08-21. Review status: criteria provided, single submitter. Criteria: Ambry Variant Classification Scheme 2023. Collection method: clinical testing. Allele origin: germline.

GeneDx
Classification: Benign. Last evaluated: 2014-02-05. Review status: criteria provided, single submitter. Criteria: GeneDx Variant Classification (06012015). Collection method: clinical testing. Allele origin: germline. Affected: yes.
Comment: This variant is considered likely benign or benign based on one or more of the following criteria: it is a conservative change, it occurs at a poorly conserved position in the protein, it is predicted to be benign by multiple in silico algorithms, and/or has population frequency not consistent with disease.

Laboratory for Molecular Medicine, Mass General Brigham Personalized Medicine
Classification: Likely benign. Last evaluated: 2013-02-21. Review status: criteria provided, single submitter. Criteria: LMM Criteria. Collection method: clinical testing. Allele origin: germline. Observed: 1 variant allele.
Comment: Pro67Pro in exon 4 of TSC1: This variant is not expected to have clinical signif icance because it does not alter an amino acid residue and is not located within the splice consensus sequence. It has been identified in 2/8600 European Americ an chromosomes from a broad population by the NHLBI Exome Sequencing Project.

PreventionGenetics, part of Exact Sciences
Classification: Likely benign. Review status: criteria provided, single submitter. Criteria: ACMG Guidelines, 2015. Collection method: clinical testing. Allele origin: germline.

NM_000368.5(TSC1):c.201A>G (p.Pro67=)

Gene: TSC1 (TSC complex subunit 1; minus strand). Cytogenetic location: 9q34.13.
Variant type: single nucleotide variant.
Coding change: c.201A>G on transcript NM_000368.5 (MANE Select); coding-DNA position 201, A replaced by G.
Protein change: p.Pro67=; no amino-acid change (proline 67 retained).
Molecular consequence: synonymous variant. On other transcripts: intron variant (1).
Genome position (GRCh38, 1-based): chr9:132,927,210, T>C on the plus strand (A>G on the coding strand, the complement: TSC1 is on the minus strand). VCF-style: chr9-132927210-T-C. GRCh37 (hg19) VCF-style: chr9-135802597-T-C.
Other names: p.P67P:CCA>CCG; c.201A>G, p.Pro67= (NM_001162426.2, NM_001162427.2); c.-153-1471A>G (NM_001362177.2).
Identifiers: ClinVar variation 137729 (VCV000137729.46), dbSNP rs371555137, ClinGen allele CA005771.